The following is an entry in ClinVar:

ClinVar aggregate classification (germline): Benign. Review status: criteria provided, multiple submitters, no conflicts (2 of 4 stars). 12 submissions from 12 submitters: Benign (9). 3 of the submissions do not count toward it. Last evaluated 2026-02-04.

Conditions:
ALPK3-related disorder. Also called: ALPK3-related condition.
Cardiovascular phenotype. Identifiers: MedGen CN230736.

Allele frequency attached by ClinVar (database versions not stated): 1000 Genomes Project 30x 0.05575; 1000 Genomes Project 0.05731; gnomAD exomes 0.06056 and 0.06443; ESP Exome Variant Server 0.06373; gnomAD 0.06671 and 0.06807; TOPMed 0.06865.
gnomAD v4.1: 101,593 of 1,566,998 alleles (6.5%); highest among the groups gnomAD compares: East Asian, 8.1%; 3,411 homozygotes.

Submissions (12):

Labcorp Genetics (formerly Invitae), Labcorp
Classification: Benign. Last evaluated: 2026-02-04. Review status: criteria provided, single submitter. Criteria: Invitae Variant Classification Sherloc (09022015). Collection method: clinical testing. Allele origin: germline.

Molecular Diagnostic Laboratory for Inherited Cardiovascular Disease, Montreal Heart Institute
Classification: Benign. Last evaluated: 2025-04-09. Review status: criteria provided, single submitter. Criteria: ACMG Guidelines, 2015. Collection method: clinical testing. Allele origin: germline. Affected: no.

Blueprint Genetics
Classification: Benign. Last evaluated: 2024-11-27. Review status: criteria provided, single submitter. Criteria: ACMG Guidelines, 2015. Collection method: clinical testing. Allele origin: germline.

Women's Health and Genetics/Laboratory Corporation of America, LabCorp
Classification: Benign. Last evaluated: 2023-04-10. Review status: criteria provided, single submitter. Criteria: LabCorp Variant Classification Summary - May 2015. Collection method: clinical testing. Allele origin: germline.

Mayo Clinic Laboratories, Mayo Clinic
Classification: Benign. Last evaluated: 2022-12-31. Review status: criteria provided, single submitter. Criteria: ACMG Guidelines, 2015. Collection method: clinical testing. Allele origin: germline. Observed: 145 variant alleles.

Ambry Genetics
Classification: Benign for Cardiovascular phenotype. Last evaluated: 2018-12-20. Review status: criteria provided, single submitter. Criteria: Ambry Variant Classification Scheme 2023. Collection method: clinical testing. Allele origin: germline.

Laboratory for Molecular Medicine, Mass General Brigham Personalized Medicine
Classification: Benign. Last evaluated: 2018-01-24. Review status: criteria provided, single submitter. Criteria: LMM Criteria. Collection method: clinical testing. Allele origin: germline. Observed: 1 variant allele.
Comment: p.Asp1439Asp in exon 6 of ALPK3: This variant is not expected to have clinical s ignificance because it has been identified in 10.6% (3091/29048) of total chromo somes by the Exome Aggregation Consortium (ExAC; dbSNP rs35931910).

GeneDx
Classification: Benign. Last evaluated: 2016-09-30. Review status: criteria provided, single submitter. Criteria: GeneDx Variant Classification (06012015). Collection method: clinical testing. Allele origin: germline. Affected: yes.
Comment: This variant is considered likely benign or benign based on one or more of the following criteria: it is a conservative change, it occurs at a poorly conserved position in the protein, it is predicted to be benign by multiple in silico algorithms, and/or has population frequency not consistent with disease.

Breakthrough Genomics
Classification: Benign. Review status: criteria provided, single submitter. Criteria: ACMG Guidelines, 2015. Collection method: not provided. Allele origin: germline. Inheritance: Autosomal recessive inheritance. Affected: yes.

PreventionGenetics, part of Exact Sciences
Classification: Benign for ALPK3-related condition. Last evaluated: 2019-11-05. Review status: no assertion criteria provided. Collection method: clinical testing. Allele origin: germline. Not counted in ClinVar's aggregate classification.
Comment: This variant is classified as benign based on ACMG/AMP sequence variant interpretation guidelines (Richards et al. 2015 PMID: 25741868, with internal and published modifications).

Clinical Genetics DNA and cytogenetics Diagnostics Lab, Erasmus MC, Erasmus Medical Center
Classification: Benign. Review status: no assertion criteria provided. Collection method: clinical testing. Allele origin: germline. Affected: yes. Study: VKGL Data-share Consensus. Not counted in ClinVar's aggregate classification.

Clinical Genetics, Academic Medical Center
Classification: Benign. Review status: no assertion criteria provided. Collection method: clinical testing. Allele origin: germline. Affected: yes. Study: VKGL Data-share Consensus. Not counted in ClinVar's aggregate classification.

NM_020778.5(ALPK3):c.3711C>T (p.Asp1237=)

Gene: ALPK3 (alpha kinase 3; plus strand). Cytogenetic location: 15q25.3.
Variant type: single nucleotide variant.
Coding change: c.3711C>T on transcript NM_020778.5 (MANE Select); coding-DNA position 3711, C replaced by T.
Protein change: p.Asp1237=; no amino-acid change (aspartic acid 1237 retained).
Molecular consequence: synonymous variant.
Genome position (GRCh38, 1-based): chr15:84,858,449, C>T. VCF-style: chr15-84858449-C-T. GRCh37 (hg19) VCF-style: chr15-85401680-C-T.
Other names: p.Asp1439=.
Identifiers: ClinVar variation 384683 (VCV000384683.23), dbSNP rs35931910, ClinGen allele CA7709698.
Genomic context (GRCh38, chr15:84,858,449, plus strand): 5'-GGGCAGAAAGGCGAGCATGCTGGAGGTGCCTCGGGCAGAGGAGGAGCTGGCGGCAGGAGA[C>T]CTGGGCCCCAGCCCCAAGGCCGGCGGTCTGGACACAGAGGTGGCCCTGGATGAAGGCAAG-3'
Protein context (NP_065829.4, residues 1227-1247): PRAEEELAAG[Asp1237=]LGPSPKAGGL